The following is an entry in ClinVar:

NM_001385012.1(NBEA):c.3871G>C (p.Gly1291Arg)

Gene: NBEA (neurobeachin; plus strand). Cytogenetic location: 13q13.3.
Variant type: single nucleotide variant.
Coding change: c.3871G>C on transcript NM_001385012.1 (MANE Select); coding-DNA position 3871, G replaced by C.
Protein change: p.Gly1291Arg; replaces glycine 1291 with arginine.
Molecular consequence: missense variant.
Genome position (GRCh38, 1-based): chr13:35,161,759, G>C. VCF-style: chr13-35161759-G-C. GRCh37 (hg19) VCF-style: chr13-35735896-G-C.
Other names: p.Gly1291Arg; c.3871G>C, p.Gly1291Arg (NM_001379245.1, NM_015678.5); short protein forms G1291R.
Identifiers: ClinVar variation 4541774 (VCV004541774.1).
Genomic context (GRCh38, chr13:35,161,759, plus strand): 5'-AATGAGGCATTTCTTTTGTATTCCACAAAAGTTCATCTTTTCCTTCTTTAGGCTGTGCAG[G>C]GTCGGTCTATCACCCAACAAGACCGAGATCTCCGAGTTGATTTAGGATTTCGAGGAATGC-3'
Protein context (NP_001371941.1, residues 1281-1301): QTTTTTQAVQ[Gly1291Arg]RSITQQDRDL

ClinVar aggregate classification (germline): Uncertain significance (1 of 4 stars; one submission).

gnomAD v4.1: 56 of 1,609,404 alleles (0.0035%); highest among the groups gnomAD compares: Non-Finnish European, 0.0043%; no homozygotes.

Submission:

Mayo Clinic Laboratories, Mayo Clinic
Classification: Uncertain significance. Last evaluated: 2024-12-27. Review status: criteria provided, single submitter. Criteria: ACMG Guidelines, 2015. Collection method: clinical testing. Allele origin: germline. Observed: 1 variant allele.
Comment: BS1_supporting, PP2